The following is an entry in ClinVar:

NM_018474.6(KIZ):c.119_122del (p.Lys40fs)

Gene: KIZ (kizuna centrosomal protein; plus strand). Cytogenetic location: 20p11.23.
Variant type: Deletion.
Coding change: c.119_122del on transcript NM_018474.6 (MANE Select); coding-DNA positions 119 to 122, 4 bases deleted (AACT; older notation c.119_122delAACT).
Protein change: p.Lys40fs; shifts the reading frame from lysine 40.
Molecular consequence: frameshift variant. On other transcripts: 5 prime UTR variant (4), intron variant (1).
Genome position (GRCh38, 1-based): chr20:21,132,126-21,132,129, AACT deleted. VCF-style (leftmost placement, unchanged base first): chr20-21132125-AAACT-A. GRCh37 (hg19) VCF-style: chr20-21112766-AAACT-A.
Other names: c.119_122delAACT (NM_018474.5); c.-28_-25del (NM_001163022.3, NM_001163023.3, NM_001352435.2); c.119_122del, p.Lys40fs (NM_001352434.2); c.-268_-265del (NM_001352436.2); c.168+5922_168+5925del (NM_001276389.2); short protein forms K40fs.
Identifiers: ClinVar variation 128243 (VCV000128243.10), dbSNP rs587777377, ClinGen allele CA151553.

ClinVar aggregate classification (germline): Pathogenic. Review status: criteria provided, multiple submitters, no conflicts (2 of 4 stars). 5 submissions from 5 submitters: Pathogenic (4). 1 of the submissions does not count toward it. Last evaluated 2026-03-11.

Conditions:
KIZ-related disorder. Also called: KIZ-related condition.
Retinitis pigmentosa 69 (RP69). Identifiers: Orphanet 791, MedGen C4014312, MONDO:0014345, OMIM 615780.
Retinitis pigmentosa (RP). Identifiers: Orphanet 791, MedGen C0035334, MeSH D012174, MONDO:0019200, OMIM 268000. Inheritance: Autosomal dominant, autosomal recessive and X linked inheritance.

Allele frequency attached by ClinVar (database versions not stated): gnomAD exomes 0.00003 and 0.00011; gnomAD 0.00008 and 0.00009; ExAC 0.00009; TOPMed 0.00009.

Submissions (5):

PreventionGenetics, part of Exact Sciences
Classification: Pathogenic for KIZ-related condition. Last evaluated: 2026-03-11. Review status: criteria provided, single submitter. Criteria: ACMG Guidelines, 2015. Collection method: clinical testing. Allele origin: germline.
Comment: The KIZ c.119_122delAACT variant is predicted to result in a frameshift and premature protein termination (p.Lys40Ilefs*14). This variant has been reported in the compound heterozygous and apparently homozygous states in individuals with rod-cone dystrophy or retinitis pigmentosa (El Shamieh et al. 2014. PubMed ID: 24680887; Takahashi et al. 2019. PubMed ID: 31370859; Lin et al. 2020. PubMed ID: 32052671). This variant is reported in 0.0092% of alleles in individuals of European (Non-Finnish) descent in gnomAD. Frameshift variants in KIZ are expected to be pathogenic. This variant is interpreted as pathogenic.

Labcorp Genetics (formerly Invitae), Labcorp
Classification: Pathogenic. Last evaluated: 2025-12-26. Review status: criteria provided, single submitter. Criteria: Invitae Variant Classification Sherloc (09022015). Collection method: clinical testing. Allele origin: germline.
Comment: This sequence change creates a premature translational stop signal (p.Lys40Ilefs*14) in the KIZ gene. It is expected to result in an absent or disrupted protein product. Loss-of-function variants in KIZ are known to be pathogenic (PMID: 24680887, 29057815). This variant is present in population databases (rs587777377, gnomAD 0.007%). This premature translational stop signal has been observed in individual(s) with autosomal recessive retinitis pigmentosa (PMID: 24680887). In at least one individual the data is consistent with being in trans (on the opposite chromosome) from a pathogenic variant. ClinVar contains an entry for this variant (Variation ID: 128243). For these reasons, this variant has been classified as Pathogenic.

Blueprint Genetics
Classification: Pathogenic for KIZ-related disorders. Last evaluated: 2024-10-31. Review status: criteria provided, single submitter. Criteria: ACMG Guidelines, 2015. Collection method: clinical testing. Allele origin: germline. Affected: yes. Observed: 5 variant alleles.

Laboratory for Molecular Medicine, Mass General Brigham Personalized Medicine
Classification: Pathogenic for Retinitis pigmentosa. Last evaluated: 2022-04-12. Review status: criteria provided, single submitter. Criteria: ACMG Guidelines, 2015. Collection method: clinical testing. Allele origin: germline. Inheritance: Autosomal recessive inheritance.
Comment: The p.Lys40IlefsX14 variant in KIZ has been reported in 7 individuals with retinitis pigmentosa, including three homozygotes and two compound heterozygotes with a second pathogenic KIZ variant (Lin 2020 PMID: 32052671, El Shamieh 2014 PMID: 24680887, Blueprint Genetics data, Invitae data). It has also been identified in 0.009% (7/75782) of European chromosomes by gnomAD. This variant is predicted to cause a frameshift, which alters the protein’s amino acid sequence beginning at position 40 and leads to a premature termination codon 14 amino acids downstream. Loss of function of the KIZ gene is associated with autosomal recessive retinitis pigmentosa. In summary, this variant meets criteria to be classified as pathogenic for autosomal recessive retinitis pigmentosa. ACMG/AMP criteria applied: PM3_Strong, PVS1_Strong.

OMIM
Classification: Pathogenic for RETINITIS PIGMENTOSA 69. Last evaluated: 2014-04-03. Review status: no assertion criteria provided. Collection method: literature only. Allele origin: germline. Not counted in ClinVar's aggregate classification.

Literature cited by the submitters: PubMed 24680887 (cited by 3 submitters); PubMed 29057815 (cited by Labcorp Genetics (formerly Invitae), Labcorp and Laboratory for Molecular Medicine, Mass General Brigham Personalized Medicine); PubMed 28837078 (cited by Laboratory for Molecular Medicine, Mass General Brigham Personalized Medicine); PubMed 32052671 (cited by Laboratory for Molecular Medicine, Mass General Brigham Personalized Medicine); PubMed 31370859 (cited by Laboratory for Molecular Medicine, Mass General Brigham Personalized Medicine).